The following is an entry in ClinVar:

NM_198123.2(CSMD3):c.9108A>G (p.Gln3036=)

Gene: CSMD3 (CUB and Sushi multiple domains 3; minus strand). Cytogenetic location: 8q23.3.
Variant type: single nucleotide variant.
Coding change: c.9108A>G on transcript NM_198123.2 (MANE Select); coding-DNA position 9108, A replaced by G.
Protein change: p.Gln3036=; no amino-acid change (glutamine 3036 retained).
Molecular consequence: synonymous variant.
Genome position (GRCh38, 1-based): chr8:112,289,405, T>C on the plus strand (A>G on the coding strand, the complement: CSMD3 is on the minus strand). VCF-style: chr8-112289405-T-C. GRCh37 (hg19) VCF-style: chr8-113301634-T-C.
Other names: c.8508A>G, p.Gln2836= (NM_001363185.1); c.8601A>G, p.Gln2867= (NM_052900.3); c.8988A>G, p.Gln2996= (NM_198124.2).
Identifiers: ClinVar variation 3050146 (VCV003050146.2), dbSNP rs143925513, ClinGen allele CA4848791.
Genomic context (GRCh38, chr8:112,289,405, plus strand): 5'-TCCAATTTTCCAAGTGGTACCTGAACAATGAGGTTGTGATCCACTCCAATGGCCATTCAA[T>C]TGGCAGGTTCTTGATGACTGGCCTAAAAGGGAACGCTTTCCTGTGCAGGAATAGTGAACA-3'
Protein context (NP_937756.1, residues 3026-3046): SLLGQSSRTC[Gln3036=]LNGHWSGSQP

ClinVar aggregate classification (germline): Likely benign (0 of 4 stars; one submission).

Conditions:
CSMD3-related disorder. Also called: CSMD3-related condition.

Allele frequency attached by ClinVar (database versions not stated): gnomAD exomes 0.00026; ExAC 0.00095; gnomAD 0.00296; ESP Exome Variant Server 0.00315; TOPMed 0.00327; 1000 Genomes Project 30x 0.00375; 1000 Genomes Project 0.00379.
gnomAD v4.1: 846 of 1,613,402 alleles (0.052%); highest among the groups gnomAD compares: African/African-American, 0.97%; 5 homozygotes.

Submission:

PreventionGenetics, part of Exact Sciences
Classification: Likely benign for CSMD3-related condition. Last evaluated: 2019-03-22. Review status: no assertion criteria provided. Collection method: clinical testing. Allele origin: germline.
Comment: This variant is classified as likely benign based on ACMG/AMP sequence variant interpretation guidelines (Richards et al. 2015 PMID: 25741868, with internal and published modifications).